The following is an entry in ClinVar:

NM_000824.5(GLRB):c.449del (p.Ser150fs)

Gene: GLRB (glycine receptor beta; plus strand). Cytogenetic location: 4q32.1.
Variant type: Deletion.
Coding change: c.449del on transcript NM_000824.5 (MANE Select); coding-DNA position 449, one base deleted (G; older notation c.449delG).
Protein change: p.Ser150fs; shifts the reading frame from serine 150.
Molecular consequence: frameshift variant.
Genome position (GRCh38, 1-based): chr4:157,136,620, G deleted. VCF-style (leftmost placement, unchanged base first): chr4-157136619-AG-A. GRCh37 (hg19) VCF-style: chr4-158057771-AG-A.
Other names: c.449del, p.Ser150fs (NM_001166060.2, NM_001166061.2); short protein forms S150fs.
Identifiers: ClinVar variation 2772628 (VCV002772628.3), dbSNP rs768063841, ClinGen allele CA3119756.

ClinVar aggregate classification (germline): Pathogenic (1 of 4 stars; one submission).

Conditions:
Hyperekplexia 2 (HKPX2). Identifiers: Orphanet 3197, MedGen C3553291, MONDO:0013828, OMIM 614619.

Allele frequency attached by ClinVar (database versions not stated): gnomAD exomes below 0.00001; ExAC 0.00001; TOPMed 0.00001; gnomAD 0.00002; ESP Exome Variant Server 0.00008.

Submission:

Labcorp Genetics (formerly Invitae), Labcorp
Classification: Pathogenic for Hyperekplexia 2. Last evaluated: 2023-11-06. Review status: criteria provided, single submitter. Criteria: Invitae Variant Classification Sherloc (09022015). Collection method: clinical testing. Allele origin: germline.
Comment: This sequence change creates a premature translational stop signal (p.Ser150Metfs*7) in the GLRB gene. It is expected to result in an absent or disrupted protein product. Loss-of-function variants in GLRB are known to be pathogenic (PMID: 23182654, 23184146). This variant is present in population databases (rs768063841, gnomAD 0.01%). This variant has not been reported in the literature in individuals affected with GLRB-related conditions. Algorithms developed to predict the effect of sequence changes on RNA splicing suggest that this variant may disrupt the consensus splice site. For these reasons, this variant has been classified as Pathogenic.

Literature cited by the submitters: PubMed 23182654; PubMed 23184146.